The following is an entry in ClinVar:

NM_022489.4(INF2):c.2602C>T (p.Arg868Cys)

Gene: INF2 (inverted formin 2; plus strand). Cytogenetic location: 14q32.33.
Variant type: single nucleotide variant.
Coding change: c.2602C>T on transcript NM_022489.4 (MANE Select); coding-DNA position 2602, C replaced by T.
Protein change: p.Arg868Cys; replaces arginine 868 with cysteine.
Molecular consequence: missense variant.
Genome position (GRCh38, 1-based): chr14:104,712,545, C>T. VCF-style: chr14-104712545-C-T. GRCh37 (hg19) VCF-style: chr14-105178882-C-T.
Other names: c.2602C>T, p.Arg868Cys (NM_001031714.4); c.2602C>T (NM_022489.3); short protein forms R868C.
Identifiers: ClinVar variation 1009065 (VCV001009065.10), dbSNP rs757230162, ClinGen allele CA7372991.
Genomic context (GRCh38, chr14:104,712,545, plus strand): 5'-CTGGAGACCGAGCGGAAGGTGTCTGCCTCCGTGGCCGAGGTCCAGGAGCAGTACACCGAG[C>T]GCCTCCAGGCAAGTGGGCACCTGGGCCTGGGGCTGGCGGGAGAGGCTGCCCTGATAGAGT-3'
Protein context (NP_071934.3, residues 858-878): VAEVQEQYTE[Arg868Cys]LQASISAFRA

ClinVar aggregate classification (germline): Conflicting classifications of pathogenicity. Review status: criteria provided, conflicting classifications (1 of 4 stars). 3 submissions from 3 submitters: Uncertain significance (2); Likely benign (1). Last evaluated 2025-06-20.

Conditions:
Focal segmental glomerulosclerosis 5 (FSGS5). Identifiers: Orphanet 656, MedGen C2750475, MONDO:0013191, OMIM 613237.
Charcot-Marie-Tooth disease dominant intermediate E. Also called: CHARCOT-MARIE-TOOTH NEUROPATHY WITH FOCAL SEGMENTAL GLOMERULONEPHRITIS. Identifiers: Orphanet 93114, MedGen C4302667, MONDO:0013758, OMIM 614455.
Inborn genetic diseases. Identifiers: MedGen C0950123, MeSH D030342.

Allele frequency attached by ClinVar (database versions not stated): ExAC 0.00001; gnomAD 0.00001; gnomAD exomes 0.00001 and 0.00002.
gnomAD v4.1: 25 of 1,612,522 alleles (0.0016%); highest among the groups gnomAD compares: East Asian, 0.011%; no homozygotes.

Submissions (3):

Women's Health and Genetics/Laboratory Corporation of America, LabCorp
Classification: Uncertain significance. Last evaluated: 2025-06-20. Review status: criteria provided, single submitter. Criteria: LabCorp Variant Classification Summary - May 2015. Collection method: clinical testing. Allele origin: germline.
Comment: Variant summary: INF2 c.2602C>T (p.Arg868Cys) results in a non-conservative amino acid change in the encoded protein sequence. Algorithms developed to predict the effect of missense changes on protein structure and function are either unavailable or do not agree on the potential impact of this missense change. The variant allele was found at a frequency of 8.2e-06 in 245178 control chromosomes. The available data on variant occurrences in the general population are insufficient to allow any conclusion about variant significance. To our knowledge, no occurrence of c.2602C>T in individuals affected with Charcot-Marie-Tooth disease dominant intermediate E and no experimental evidence demonstrating its impact on protein function have been reported. ClinVar contains an entry for this variant (Variation ID: 1009065). Based on the evidence outlined above, the variant was classified as uncertain significance.

Labcorp Genetics (formerly Invitae), Labcorp
Classification: Likely benign for Charcot-Marie-Tooth disease dominant intermediate E; Focal segmental glomerulosclerosis 5. Last evaluated: 2025-03-01. Review status: criteria provided, single submitter. Criteria: Invitae Variant Classification Sherloc (09022015). Collection method: clinical testing. Allele origin: germline.

Ambry Genetics
Classification: Uncertain significance for Inborn genetic diseases. Last evaluated: 2024-02-06. Review status: criteria provided, single submitter. Criteria: Ambry Variant Classification Scheme 2023. Collection method: clinical testing. Allele origin: germline.